The following is an entry in ClinVar:

NM_004168.4(SDHA):c.22T>C (p.Ser8Pro)

Gene: SDHA (succinate dehydrogenase complex flavoprotein subunit A; plus strand). Cytogenetic location: 5p15.33.
Variant type: single nucleotide variant.
Coding change: c.22T>C on transcript NM_004168.4 (MANE Select); coding-DNA position 22, T replaced by C.
Protein change: p.Ser8Pro; replaces serine 8 with proline.
Molecular consequence: missense variant.
Genome position (GRCh38, 1-based): chr5:218,377, T>C. VCF-style: chr5-218377-T-C. GRCh37 (hg19) VCF-style: chr5-218492-T-C.
Other names: c.22T>C, p.Ser8Pro (NM_001294332.2, NM_001330758.2); c.22T>C (NM_004168.2); short protein forms S8P.
Identifiers: ClinVar variation 839833 (VCV000839833.7), dbSNP rs768328967, ClinGen allele CA3172687.
Genomic context (GRCh38, chr5:218,377, plus strand): 5'-CGCAGGGACTGGCGGGACTGCGCGGCGGCAACAGCAGACATGTCGGGGGTCCGGGGCCTG[T>C]CGCGGCTGCTGAGCGCTCGGCGCCTGGCGCTGGCCAAGGCGGTGAGTCCGTGCCGCGGAC-3'
Protein context (NP_004159.2, residues 1-18): MSGVRGL[Ser8Pro]RLLSARRLAL

ClinVar aggregate classification (germline): Uncertain significance. Review status: criteria provided, multiple submitters, no conflicts (2 of 4 stars). 3 submissions from 3 submitters: Uncertain significance (3). Last evaluated 2025-06-11.

Conditions:
Hereditary cancer-predisposing syndrome. Also called: Tumor predisposition; Hereditary neoplastic syndrome; Neoplastic Syndromes, Hereditary; Hereditary Cancer Syndrome. Identifiers: Orphanet 140162, MedGen C0027672, MeSH D009386, MONDO:0015356.
Dystonia, early-onset, and/or spastic paraplegia. Identifiers: MedGen C5562051, MONDO:0859215, OMIM 619681.
Pheochromocytoma/paraganglioma syndrome 5. Also called: Paragangliomas 5; SDHA-Related Hereditary Paraganglioma-Pheochromocytoma Syndrome. Identifiers: Orphanet 29072, MedGen C3279992, MONDO:0013602, OMIM 614165.
Mitochondrial complex II deficiency, nuclear type 1. Also called: SUCCINATE CoQ REDUCTASE DEFICIENCY. Identifiers: Orphanet 3208, MedGen C5700310, MONDO:0100294, OMIM 252011.

Allele frequency attached by ClinVar (database versions not stated): gnomAD below 0.00001 and 0.00001; gnomAD exomes 0.00002 and 0.00005; ExAC 0.00007.
gnomAD v4.1: 26 of 1,455,694 alleles (0.0018%); highest among the groups gnomAD compares: South Asian, 0.036%; no homozygotes.

Submissions (3):

Labcorp Genetics (formerly Invitae), Labcorp
Classification: Uncertain significance for Pheochromocytoma/paraganglioma syndrome 5; Mitochondrial complex II deficiency, nuclear type 1. Last evaluated: 2025-06-11. Review status: criteria provided, single submitter. Criteria: Invitae Variant Classification Sherloc (09022015). Collection method: clinical testing. Allele origin: germline.
Comment: This sequence change replaces serine, which is neutral and polar, with proline, which is neutral and non-polar, at codon 8 of the SDHA protein (p.Ser8Pro). This variant is present in population databases (rs768328967, gnomAD 0.04%). This variant has not been reported in the literature in individuals affected with SDHA-related conditions. ClinVar contains an entry for this variant (Variation ID: 839833). Invitae Evidence Modeling of protein sequence and biophysical properties (such as structural, functional, and spatial information, amino acid conservation, physicochemical variation, residue mobility, and thermodynamic stability) indicates that this missense variant is not expected to disrupt SDHA protein function with a negative predictive value of 95%. In summary, the available evidence is currently insufficient to determine the role of this variant in disease. Therefore, it has been classified as a Variant of Uncertain Significance.

Ambry Genetics
Classification: Uncertain significance for Hereditary cancer-predisposing syndrome. Last evaluated: 2024-04-24. Review status: criteria provided, single submitter. Criteria: Ambry Variant Classification Scheme 2023. Collection method: clinical testing. Allele origin: germline.
Comment: The p.S8P variant (also known as c.22T>C), located in coding exon 1 of the SDHA gene, results from a T to C substitution at nucleotide position 22. The serine at codon 8 is replaced by proline, an amino acid with similar properties. This amino acid position is well conserved in available vertebrate species. In addition, this alteration is predicted to be tolerated by in silico analysis. Based on the available evidence, the clinical significance of this variant remains unclear.

Cambridge Genomics Laboratory, East Genomic Laboratory Hub, NHS Genomic Medicine Service
Classification: Uncertain significance for Dystonia, early-onset, and/or spastic paraplegia. Last evaluated: 2020-07-13. Review status: criteria provided, single submitter. Criteria: ACGS Best Practice Guidelines for Variant Classification in Rare Disease 2020. Collection method: clinical testing. Allele origin: germline. Affected: yes. Observed: 1 variant allele.